The following is an entry in ClinVar:

NM_000059.4(BRCA2):c.4237A>G (p.Lys1413Glu)

Gene: BRCA2 (BRCA2 DNA repair associated; plus strand). Cytogenetic location: 13q13.1.
Variant type: single nucleotide variant.
Coding change: c.4237A>G on transcript NM_000059.4 (MANE Select); coding-DNA position 4237, A replaced by G.
Protein change: p.Lys1413Glu; replaces lysine 1413 with glutamic acid.
Molecular consequence: missense variant.
Genome position (GRCh38, 1-based): chr13:32,338,592, A>G. VCF-style: chr13-32338592-A-G. GRCh37 (hg19) VCF-style: chr13-32912729-A-G.
Other names: short protein forms K1413E.
Identifiers: ClinVar variation 234751 (VCV000234751.29), dbSNP rs876661198, ClinGen allele CA10577470.

ClinVar aggregate classification (germline): Conflicting classifications of pathogenicity. Review status: criteria provided, conflicting classifications (1 of 4 stars). 9 submissions from 9 submitters: Uncertain significance (8); Likely benign (1). Last evaluated 2025-03-20.

Conditions:
BRCA2-related disorder. Also called: BRCA2-related condition; BRCA2-related disorders. Identifiers: MedGen CN239275.
Hereditary cancer-predisposing syndrome. Also called: Tumor predisposition; Hereditary Cancer Syndrome; Hereditary neoplastic syndrome; Neoplastic Syndromes, Hereditary. Identifiers: Orphanet 140162, MedGen C0027672, MeSH D009386, MONDO:0015356.
Hereditary breast ovarian cancer syndrome. Also called: Hereditary breast and ovarian cancer; Breast and ovarian cancer; BRCA1- and BRCA2-Associated Hereditary Breast and Ovarian Cancer; Hereditary breast and ovarian cancer syndrome; Hereditary breast and ovarian cancer syndrome (HBOC); Hereditary breast and/or ovarian cancer syndrome. Identifiers: Orphanet 145, MedGen C0677776, MeSH D061325, MONDO:0003582. Disease mechanism: loss of function.
Breast-ovarian cancer, familial, susceptibility to, 2 (BROVCA2). Also called: BRCA2 Hereditary Breast and Ovarian Cancer. Identifiers: Orphanet 145, MedGen C2675520, MONDO:0012933, OMIM 612555. Disease mechanism: loss of function.

Allele frequency attached by ClinVar (database versions not stated): gnomAD exomes below 0.00001.
gnomAD v4.1: 2 of 1,597,250 alleles (0.00013%); highest among the groups gnomAD compares: Non-Finnish European, 0.00017%; no homozygotes.

Submissions (9):

Ambry Genetics
Classification: Uncertain significance for Hereditary cancer-predisposing syndrome. Last evaluated: 2025-03-20. Review status: criteria provided, single submitter. Criteria: Ambry Variant Classification Scheme 2023. Collection method: clinical testing. Allele origin: germline.
Comment: The p.K1413E variant (also known as c.4237A>G), located in coding exon 10 of the BRCA2 gene, results from an A to G substitution at nucleotide position 4237. The lysine at codon 1413 is replaced by glutamic acid, an amino acid with similar properties. This amino acid position is not well conserved in available vertebrate species. In addition, this alteration is predicted to be tolerated by in silico analysis. Since supporting evidence is limited at this time, the clinical significance of this alteration remains unclear.

Quest Diagnostics Nichols Institute San Juan Capistrano
Classification: Uncertain significance. Last evaluated: 2024-02-22. Review status: criteria provided, single submitter. Criteria: Quest Diagnostics criteria. Collection method: clinical testing. Allele origin: unknown.
Comment: The BRCA2 c.4237A>G (p.Lys1413Glu) variant has been reported in the published literature in an affected individual with breast cancer (PMID: 37415649 (2023)), as well as in an individual with breast cancer in a large scale breast cancer association study (PMID: 33471991 (2021), see also LOVD). This variant was also described to be located in a region of the BRCA2 gene that is tolerant to missense sequence changes (PMID: 31911673 (2020)). This variant has not been reported in large, multi-ethnic general populations (Genome Aggregation Database). Analysis of this variant using bioinformatics tools for the prediction of the effect of amino acid changes on protein structure and function yielded predictions that this variant is benign. Based on the available information, we are unable to determine the clinical significance of this variant.

All of Us Research Program, National Institutes of Health
Classification: Uncertain significance for Breast-ovarian cancer, familial, susceptibility to, 2. Last evaluated: 2023-11-02. Review status: criteria provided, single submitter. Criteria: ACMG Guidelines, 2015. Collection method: clinical testing. Allele origin: germline. Inheritance: Autosomal dominant inheritance. Observed: 1 variant allele, 1 heterozygote.
Comment: This missense variant replaces lysine with glutamic acid at codon 1413 of the BRCA2 protein. Computational prediction suggests that this variant may not impact protein structure and function (internally defined REVEL score threshold <= 0.5, PMID: 27666373). To our knowledge, functional studies have not been reported for this variant. This variant has been reported in individuals with a personal or family history of breast cancer (PMID: 33471991; Leiden Open Variation Database DB-ID BRCA2_008178, 37415649). This variant has not been identified in the general population by the Genome Aggregation Database (gnomAD). The available evidence is insufficient to determine the role of this variant in disease conclusively. Therefore, this variant is classified as a Variant of Uncertain Significance.

This study involves interpretation of variants in research participants for the purpose of population health screening. Participant phenotype was not available at the time of variant classification. Additional details can be found in publication PMID: 35346344, PMCID: PMC8962531

Color Diagnostics, LLC DBA Color Health
Classification: Uncertain significance for Hereditary cancer-predisposing syndrome. Last evaluated: 2023-10-18. Review status: criteria provided, single submitter. Criteria: ACMG Guidelines, 2015. Collection method: clinical testing. Allele origin: germline.
Comment: This missense variant replaces lysine with glutamic acid at codon 1413 of the BRCA2 protein. Computational prediction suggests that this variant may not impact protein structure and function (internally defined REVEL score threshold <= 0.5, PMID: 27666373). To our knowledge, functional studies have not been reported for this variant. This variant has been reported in individuals with a personal or family history of breast cancer (PMID: 33471991; Leiden Open Variation Database DB-ID BRCA2_008178, 37415649). This variant has not been identified in the general population by the Genome Aggregation Database (gnomAD). The available evidence is insufficient to determine the role of this variant in disease conclusively. Therefore, this variant is classified as a Variant of Uncertain Significance.

Labcorp Genetics (formerly Invitae), Labcorp
Classification: Uncertain significance for Hereditary breast ovarian cancer syndrome. Last evaluated: 2023-08-24. Review status: criteria provided, single submitter. Criteria: Invitae Variant Classification Sherloc (09022015). Collection method: clinical testing. Allele origin: germline.
Comment: ClinVar contains an entry for this variant (Variation ID: 234751). In summary, the available evidence is currently insufficient to determine the role of this variant in disease. Therefore, it has been classified as a Variant of Uncertain Significance. Advanced modeling of protein sequence and biophysical properties (such as structural, functional, and spatial information, amino acid conservation, physicochemical variation, residue mobility, and thermodynamic stability) performed at Invitae indicates that this missense variant is not expected to disrupt BRCA2 protein function. This variant has not been reported in the literature in individuals affected with BRCA2-related conditions. This variant is not present in population databases (gnomAD no frequency). This sequence change replaces lysine, which is basic and polar, with glutamic acid, which is acidic and polar, at codon 1413 of the BRCA2 protein (p.Lys1413Glu).

PreventionGenetics, part of Exact Sciences
Classification: Uncertain significance for BRCA2-related condition. Last evaluated: 2023-06-23. Review status: criteria provided, single submitter. Criteria: ACMG Guidelines, 2015. Collection method: clinical testing. Allele origin: germline.
Comment: The BRCA2 c.4237A>G variant is predicted to result in the amino acid substitution p.Lys1413Glu. To our knowledge, this variant has not been reported in the literature or in a large population database, indicating this variant is rare. This variant is interpreted as variant of uncertain significance and likely benign in ClinVar. At this time, the clinical significance of this variant is uncertain due to the absence of conclusive functional and genetic evidence.

University of Washington Department of Laboratory Medicine, University of Washington
Classification: Likely benign for Hereditary cancer-predisposing syndrome. Last evaluated: 2023-03-23. Review status: criteria provided, single submitter. Criteria: Dines et al. (Genet Med. 2020). Collection method: curation. Allele origin: germline.
Comment: Missense variant in a coldspot region where missense variants are very unlikely to be pathogenic (PMID:31911673).

BRCA2 exon 11 coldspot. Reclassification based on statistical prior probability.

Mendelics
Classification: Uncertain significance for Breast-ovarian cancer, familial, susceptibility to, 2. Last evaluated: 2019-05-28. Review status: criteria provided, single submitter. Criteria: Mendelics Assertion Criteria 2017. Collection method: clinical testing. Allele origin: unknown.

GeneDx
Classification: Uncertain significance. Last evaluated: 2015-12-30. Review status: criteria provided, single submitter. Criteria: GeneDx Variant Classification (06012015). Collection method: clinical testing. Allele origin: germline. Affected: yes.
Comment: This variant is denoted BRCA2 c.4237A>G at the cDNA level, p.Lys1413Glu (K1413E) at the protein level, and results in the change of a Lysine to a Glutamic Acid (AAA>GAA). Using alternate nomenclature, this variant would be defined as BRCA2 4465A>G. This variant has not, to our knowledge, been published in the literature as pathogenic or benign. BRCA2 Lys1413Glu was not observed in approximately 6,500 individuals of European and African American ancestry in the NHLBI Exome Sequencing Project, suggesting it is not a common benign variant in these populations. Since Lysine and Glutamic Acid differ in polarity, charge, size or other properties, this is considered a non-conservative amino acid substitution. BRCA2 Lys1413Glu occurs at a position that is not conserved and is located in the RAD51 binding domain and the region of interaction with POLH (Roy 2012). In silico analyses predict that this variant is unlikely to alter protein structure or function. Based on currently available evidence, it is unclear whether BRCA2 Lys1413Glu is a pathogenic or benign variant. We consider it to be a variant of uncertain significance.

Literature cited by the submitters: PubMed 37415649 (cited by Quest Diagnostics Nichols Institute San Juan Capistrano and Color Diagnostics, LLC DBA Color Health); PubMed 33471991 (cited by 3 submitters); PubMed 31911673 (cited by Quest Diagnostics Nichols Institute San Juan Capistrano).